The following is an entry in ClinVar:

NM_014915.3(ANKRD26):c.753A>C (p.Lys251Asn)

Gene: ANKRD26 (ankyrin repeat domain containing 26; minus strand). Cytogenetic location: 10p12.1.
Variant type: single nucleotide variant.
Coding change: c.753A>C on transcript NM_014915.3 (MANE Select); coding-DNA position 753, A replaced by C.
Protein change: p.Lys251Asn; replaces lysine 251 with asparagine.
Molecular consequence: missense variant.
Genome position (GRCh38, 1-based): chr10:27,079,149, T>G on the plus strand (A>C on the coding strand, the complement: ANKRD26 is on the minus strand). VCF-style: chr10-27079149-T-G. GRCh37 (hg19) VCF-style: chr10-27368078-T-G.
Other names: c.753A>C, p.Lys251Asn (NM_001256053.2); short protein forms K251N.
Identifiers: ClinVar variation 3396870 (VCV003396870.1).

ClinVar aggregate classification (germline): Uncertain significance (1 of 4 stars; one submission).

Conditions:
Inborn genetic diseases. Identifiers: MedGen C0950123, MeSH D030342.

Submission:

Ambry Genetics
Classification: Uncertain significance for Inborn genetic diseases. Last evaluated: 2024-11-27. Review status: criteria provided, single submitter. Criteria: Ambry Variant Classification Scheme 2023. Collection method: clinical testing. Allele origin: germline.
Comment: The p.K251N variant (also known as c.753A>C), located in coding exon 7 of the ANKRD26 gene, results from an A to C substitution at nucleotide position 753. The lysine at codon 251 is replaced by asparagine, an amino acid with similar properties. This amino acid position is conserved. In addition, this alteration is predicted to be tolerated by in silico analysis. Based on the available evidence, the clinical significance of this variant remains unclear.